The following is an entry in ClinVar:

NM_001369268.1(ACAN):c.7456G>C (p.Gly2486Arg)

Gene: ACAN (aggrecan; plus strand). Cytogenetic location: 15q26.1.
Variant type: single nucleotide variant.
Coding change: c.7456G>C on transcript NM_001369268.1 (MANE Select); coding-DNA position 7456, G replaced by C.
Protein change: p.Gly2486Arg; replaces glycine 2486 with arginine.
Molecular consequence: missense variant. On other transcripts: intron variant (1).
Genome position (GRCh38, 1-based): chr15:88,873,850, G>C. VCF-style: chr15-88873850-G-C. GRCh37 (hg19) VCF-style: chr15-89417081-G-C.
Other names: c.7342G>C, p.Gly2448Arg (NM_013227.4); c.7220-555G>C (NM_001135.4); short protein forms G2486R, G2448R.
Identifiers: ClinVar variation 1486376 (VCV001486376.6), dbSNP rs202059945, ClinGen allele CA7720699.

ClinVar aggregate classification (germline): Uncertain significance (1 of 4 stars; one submission).

gnomAD v4.1: 66 of 1,613,580 alleles (0.0041%); highest among the groups gnomAD compares: Non-Finnish European, 0.0051%; no homozygotes.

Submission:

Labcorp Genetics (formerly Invitae), Labcorp
Classification: Uncertain significance. Last evaluated: 2025-12-22. Review status: criteria provided, single submitter. Criteria: Invitae Variant Classification Sherloc (09022015). Collection method: clinical testing. Allele origin: germline.
Comment: This sequence change replaces glycine, which is neutral and non-polar, with arginine, which is basic and polar, at codon 2448 of the ACAN protein (p.Gly2448Arg). This variant is present in population databases (rs202059945, gnomAD 0.004%). This missense change has been observed in individual(s) with clinical features of autosomal dominant ACAN-related conditions (PMID: 29464738, 38087044). ClinVar contains an entry for this variant (Variation ID: 1486376). An algorithm developed to predict the effect of missense changes on protein structure and function outputs the following: PolyPhen-2: "Probably Damaging". The arginine amino acid residue is found in multiple mammalian species, which suggests that this missense change does not adversely affect protein function. In summary, the available evidence is currently insufficient to determine the role of this variant in disease. Therefore, it has been classified as a Variant of Uncertain Significance.

Literature cited by the submitters: PubMed 29464738; PubMed 38087044.